The following continues an entry in ClinVar:

NM_024675.4(PALB2):c.79G>T (p.Glu27Ter)

Gene: PALB2. ClinVar aggregate classification (germline): Pathogenic/Likely pathogenic. Pathogenic (16); Likely pathogenic (1).

Submissions 14 to 18 of 18:

Women's Health and Genetics/Laboratory Corporation of America, LabCorp
Classification: Pathogenic for breast cancer. Last evaluated: 2020-04-23. Review status: criteria provided, single submitter. Criteria: LabCorp Variant Classification Summary - May 2015. Collection method: clinical testing. Allele origin: germline.
Comment: Variant summary: PALB2 c.79G>T (p.Glu27X) results in a premature termination codon, predicted to cause a truncation of the encoded protein or absence of the protein due to nonsense mediated decay, which are commonly known mechanisms for disease. Truncations downstream of this position have been classified as pathogenic by our laboratory. The variant allele was found at a frequency of 8e-06 in 251476 control chromosomes. c.79G>T has been reported in the literature in individuals affected with Breast Cancer (e.g. Goidescu_2018) and an individual with a history of both breast and vulvar cancers (Foley_2015). These data indicate that the variant may be associated with disease. To our knowledge, no experimental evidence demonstrating an impact on protein function has been reported. Four other clinical diagnostic laboratories have submitted clinical-significance assessments for this variant to ClinVar after 2014 without evidence for independent evaluation. All laboratories classified the variant as pathogenic. Based on the evidence outlined above, the variant was classified as pathogenic.

Color Diagnostics, LLC DBA Color Health
Classification: Pathogenic for Hereditary cancer-predisposing syndrome. Last evaluated: 2020-01-15. Review status: criteria provided, single submitter. Criteria: ACMG Guidelines, 2015. Collection method: clinical testing. Allele origin: germline.
Comment: This variant changes 1 nucleotide in exon 2 of the PALB2 gene, creating a premature translation stop signal. This variant is expected to result in an absent or non-functional protein product. This variant has been identified in 2/251476 chromosomes in the general population by the Genome Aggregation Database (gnomAD). Loss of PALB2 function is a known mechanism of disease. Based on the available evidence, this variant is classified as Pathogenic.

GeneKor MSA
Classification: Pathogenic for Hereditary cancer-predisposing syndrome. Last evaluated: 2020-01-01. Review status: criteria provided, single submitter. Criteria: ACMG Guidelines, 2015. Collection method: clinical testing. Allele origin: germline. Affected: yes.
Comment: This variant is a single amino acid change from Glutamate to a premature translational stop signal at codon 27 of the PALB2 protein. This is expected to result in an absent or disrupted protein product. Truncating variants in PALB2 are known to be pathogenic (PMID: 17200668, 24136930, 25099575). This variant has been described in the international literature in the individual with vulvar and breast cancer (PMID:26023681) and in individuals undergoing panel testing for hereditary syndrome (PMID: 31159747). The mutation database ClinVar contains entries for this variant (Variation ID: 241570).

Laboratory for Molecular Medicine, Mass General Brigham Personalized Medicine
Classification: Likely pathogenic for Familial cancer of breast. Last evaluated: 2018-03-23. Review status: criteria provided, single submitter. Criteria: ACMG Guidelines, 2015. Collection method: clinical testing. Allele origin: germline. Inheritance: Autosomal dominant inheritance.
Comment: The p.Glu27X variant in PALB2 has been reported in 1 individual with vulvar and breast cancer (Foley 2015). The variant has been identified in 2/15302 African chromosomes by the Genome Aggregation Database (gnomAD; dbSNP rs878855122). However, this frequency is low enough to be consistent with the frequency of breast cancer in the general population. This nonsense variant leads to a premature termination codon at position 27, which is predicted to lead to a truncated or absent protein. Heterozygous loss of function of the PALB2 gene is an established disease mechanism in inherited predisposition to breast cancer. In summary, this variant meets criteria to be classified as likely pathogenic for HBOC in an autosomal dominant manner based upon the predicted impact to the protein. ACMG/AMP Criteria applied: PVS1; PM2.

Molekularpathologisches Zentrum, Universitaetsklinikum Heidelberg
Classification: Pathogenic for Lung cancer. Review status: no assertion criteria provided. Collection method: clinical testing. Allele origin: somatic. Inheritance: Somatic mutation. Affected: yes. Not counted in ClinVar's aggregate classification.

Literature cited by the submitters: PubMed 17200668 (cited by Labcorp Genetics (formerly Invitae), Labcorp and Variantyx, Inc.); PubMed 17200671 (cited by Labcorp Genetics (formerly Invitae), Labcorp and Variantyx, Inc.); PubMed 17200672 (cited by Labcorp Genetics (formerly Invitae), Labcorp and Variantyx, Inc.); PubMed 24136930 (cited by Labcorp Genetics (formerly Invitae), Labcorp and Variantyx, Inc.); PubMed 25099575 (cited by Labcorp Genetics (formerly Invitae), Labcorp and Variantyx, Inc.); PubMed 26023681 (cited by 6 submitters); PubMed 29785153 (cited by 4 submitters); PubMed 36207130 (cited by Quest Diagnostics Nichols Institute San Juan Capistrano); PubMed 36980780 (cited by Quest Diagnostics Nichols Institute San Juan Capistrano); PubMed 31159747 (cited by 3 submitters); PubMed 31619740 (cited by Quest Diagnostics Nichols Institute San Juan Capistrano and Women's Health and Genetics/Laboratory Corporation of America, LabCorp); PubMed 28319063 (cited by Quest Diagnostics Nichols Institute San Juan Capistrano); PubMed 29922827 (cited by Quest Diagnostics Nichols Institute San Juan Capistrano); PubMed 29625052 (cited by Quest Diagnostics Nichols Institute San Juan Capistrano and Sema4); PubMed 36451132 (cited by Quest Diagnostics Nichols Institute San Juan Capistrano); PubMed 31447099 (cited by Sema4).